The following is an entry in ClinVar:

ClinVar aggregate classification (germline): Uncertain significance (0 of 4 stars; one submission).

Conditions:
BRAF-related disorder. Also called: BRAF-related condition.

Allele frequency attached by ClinVar (database versions not stated): gnomAD 0.00001.
gnomAD v4.1: 2 of 1,614,074 alleles (0.00012%); highest among the groups gnomAD compares: Non-Finnish European, 0.00017%; no homozygotes.

Submission:

PreventionGenetics, part of Exact Sciences
Classification: Uncertain significance for BRAF-related condition. Last evaluated: 2023-12-06. Review status: no assertion criteria provided. Collection method: clinical testing. Allele origin: germline.
Comment: The BRAF c.459A>T variant is predicted to result in the amino acid substitution p.Gln153His. To our knowledge, this variant has not been reported in the literature. It is documented in just one allele (0.0065% in Non-Finnish Europeans) in gnomAD. At this time, the clinical significance of this variant is uncertain due to the absence of conclusive functional and genetic evidence.

NM_004333.6(BRAF):c.459A>T (p.Gln153His)

Gene: BRAF (B-Raf proto-oncogene, serine/threonine kinase; minus strand). Cytogenetic location: 7q34.
Variant type: single nucleotide variant.
Coding change: c.459A>T on transcript NM_004333.6 (MANE Select); coding-DNA position 459, A replaced by T.
Protein change: p.Gln153His; replaces glutamine 153 with histidine.
Molecular consequence: missense variant. On other transcripts: intron variant (1).
Genome position (GRCh38, 1-based): chr7:140,834,654, T>A on the plus strand (A>T on the coding strand, the complement: BRAF is on the minus strand). VCF-style: chr7-140834654-T-A. GRCh37 (hg19) VCF-style: chr7-140534454-T-A.
Other names: c.459A>T, p.Gln153His (NM_001354609.2, NM_001374244.1, NM_001374258.1 and 5 more transcripts); c.357A>T, p.Gln119His (NM_001378470.1); c.303A>T, p.Gln101His (NM_001378472.1, NM_001378473.1); c.240+15457A>T (NM_001378475.1); short protein forms Q101H, Q119H, Q153H.
Identifiers: ClinVar variation 3035362 (VCV003035362.2), dbSNP rs1476241098, ClinGen allele CA369593507.